The following is an entry in ClinVar:

ClinVar aggregate classification (germline): Conflicting classifications of pathogenicity. Review status: criteria provided, conflicting classifications (1 of 4 stars). 3 submissions from 3 submitters: Pathogenic (1); Uncertain significance (1). 1 of the submissions does not count toward it. Last evaluated 2024-04-15.

Conditions:
Inborn genetic diseases. Identifiers: MedGen C0950123, MeSH D030342.
Familial focal epilepsy with variable foci (FPEVF). Identifiers: Orphanet 98820, MedGen C1858477, MONDO:0020310.
Epilepsy, familial focal, with variable foci 1 (FFEVF1). Also called: DEPDC5-Related Epilepsy. Identifiers: MedGen C4551983, MONDO:0024556, OMIM 604364.

Submissions (3):

Labcorp Genetics (formerly Invitae), Labcorp
Classification: Pathogenic for Familial focal epilepsy with variable foci. Last evaluated: 2024-04-15. Review status: criteria provided, single submitter. Criteria: Invitae Variant Classification Sherloc (09022015). Collection method: clinical testing. Allele origin: germline.
Comment: This sequence change creates a premature translational stop signal (p.Gln1523*) in the DEPDC5 gene. While this is not anticipated to result in nonsense mediated decay, it is expected to disrupt the last 81 amino acid(s) of the DEPDC5 protein. This variant is not present in population databases (gnomAD no frequency). This premature translational stop signal has been observed in individual(s) with nocturnal frontal lobe epilepsy (PMID: 23542701). ClinVar contains an entry for this variant (Variation ID: 183030). Algorithms developed to predict the effect of variants on protein structure and function are not available or were not evaluated for this variant. Experimental studies have shown that this premature translational stop signal affects DEPDC5 function (PMID: 25366275). This variant disrupts a region of the DEPDC5 protein in which other variant(s) (p.Asp1565*) have been determined to be pathogenic (PMID: 28549235, 31639411). This suggests that this is a clinically significant region of the protein, and that variants that disrupt it are likely to be disease-causing. For these reasons, this variant has been classified as Pathogenic.

Ambry Genetics
Classification: Uncertain significance for Inborn genetic diseases. Last evaluated: 2023-08-23. Review status: criteria provided, single submitter. Criteria: Ambry Variant Classification Scheme 2023. Collection method: clinical testing. Allele origin: germline.
Comment: Not expected to trigger nonsense-mediated mRNA decay Based on insufficient or conflicting evidence, the clinical significance of this alteration remains unclear.

GeneReviews
No classification provided. Condition: Epilepsy, familial focal, with variable foci 1. Review status: no classification provided. Collection method: literature only. Allele origin: germline. Not counted in ClinVar's aggregate classification.

Literature cited by the submitters: PubMed 23542701 (cited by 3 submitters); PubMed 25366275 (cited by Labcorp Genetics (formerly Invitae), Labcorp); PubMed 28549235 (cited by Labcorp Genetics (formerly Invitae), Labcorp); PubMed 31639411 (cited by Labcorp Genetics (formerly Invitae), Labcorp); NCBI Bookshelf NBK1169 (cited by GeneReviews).

NM_001242896.3(DEPDC5):c.4567C>T (p.Gln1523Ter)

Gene: DEPDC5 (DEP domain containing 5, GATOR1 subcomplex subunit; plus strand). Cytogenetic location: 22q12.3.
Variant type: single nucleotide variant.
Coding change: c.4567C>T on transcript NM_001242896.3 (MANE Select); coding-DNA position 4567, C replaced by T.
Protein change: p.Gln1523Ter; replaces glutamine 1523 with a stop codon.
Molecular consequence: nonsense. On other transcripts: non-coding transcript variant (5).
Genome position (GRCh38, 1-based): chr22:31,906,252, C>T. VCF-style: chr22-31906252-C-T. GRCh37 (hg19) VCF-style: chr22-32302238-C-T.
Other names: c.4540C>T, p.Gln1514Ter (NM_001136029.4); c.4267C>T, p.Gln1423Ter (NM_001242897.2); c.4501C>T, p.Gln1501Ter (NM_001363852.2, NM_001364320.2); c.4333C>T, p.Gln1445Ter (NM_001363854.2, NM_001364319.2); c.4567C>T, p.Gln1523Ter (NM_001364318.2); c.4483C>T, p.Gln1495Ter (NM_001369901.1, NM_001369902.1); c.4474C>T, p.Gln1492Ter (NM_001369903.1, NM_014662.6); short protein forms Q1423*, Q1523*, Q1492*, Q1495*, Q1445*, Q1501*, Q1514*.
Identifiers: ClinVar variation 183030 (VCV000183030.9), dbSNP rs797044546, ClinGen allele CA347133.